The following is an entry in ClinVar:

ClinVar aggregate classification (germline): Uncertain significance (1 of 4 stars; one submission).

Conditions:
Autosomal dominant limb-girdle muscular dystrophy type 1F (LGMDD2). Also called: Limb-girdle muscular dystrophy, type 1F; MUSCULAR DYSTROPHY, LIMB-GIRDLE, AUTOSOMAL DOMINANT 2. Identifiers: Orphanet 55595, MedGen C1842062, MONDO:0012034, OMIM 608423.

Allele frequency attached by ClinVar (database versions not stated): gnomAD exomes below 0.00001.
gnomAD v4.1: 1 of 1,587,960 alleles (0.000063%); highest among the groups gnomAD compares: South Asian, 0.0012%; no homozygotes.

Submission:

Labcorp Genetics (formerly Invitae), Labcorp
Classification: Uncertain significance for Autosomal dominant limb-girdle muscular dystrophy type 1F. Last evaluated: 2022-05-11. Review status: criteria provided, single submitter. Criteria: Invitae Variant Classification Sherloc (09022015). Collection method: clinical testing. Allele origin: germline.
Comment: This sequence change replaces leucine, which is neutral and non-polar, with tryptophan, which is neutral and slightly polar, at codon 184 of the TNPO3 protein (p.Leu184Trp). This variant is not present in population databases (gnomAD no frequency). In summary, the available evidence is currently insufficient to determine the role of this variant in disease. Therefore, it has been classified as a Variant of Uncertain Significance. Algorithms developed to predict the effect of missense changes on protein structure and function (SIFT, PolyPhen-2, Align-GVGD) all suggest that this variant is likely to be disruptive. This variant has not been reported in the literature in individuals affected with TNPO3-related conditions.

NM_012470.4(TNPO3):c.551T>G (p.Leu184Trp)

Gene: TNPO3 (transportin 3; minus strand). Cytogenetic location: 7q32.1.
Variant type: single nucleotide variant.
Coding change: c.551T>G on transcript NM_012470.4 (MANE Select); coding-DNA position 551, T replaced by G.
Protein change: p.Leu184Trp; replaces leucine 184 with tryptophan.
Molecular consequence: missense variant. On other transcripts: non-coding transcript variant (18).
Genome position (GRCh38, 1-based): chr7:129,014,980, A>C on the plus strand (T>G on the coding strand, the complement: TNPO3 is on the minus strand). VCF-style: chr7-129014980-A-C. GRCh37 (hg19) VCF-style: chr7-128655034-A-C.
Other names: c.551T>G, p.Leu184Trp (NM_001191028.3, NM_001382216.1, NM_001382218.1 and 5 more transcripts); c.632T>G, p.Leu211Trp (NM_001382217.1); short protein forms L184W, L211W.
Identifiers: ClinVar variation 1929468 (VCV001929468.5), dbSNP rs2536397361, ClinGen allele CA369246055.